The following is an entry in ClinVar:

NM_000350.3(ABCA4):c.5509C>T (p.Pro1837Ser)

Gene: ABCA4 (ATP binding cassette subfamily A member 4; minus strand). Cytogenetic location: 1p22.1.
Variant type: single nucleotide variant.
Coding change: c.5509C>T on transcript NM_000350.3 (MANE Select); coding-DNA position 5509, C replaced by T.
Protein change: p.Pro1837Ser; replaces proline 1837 with serine.
Molecular consequence: missense variant.
Genome position (GRCh38, 1-based): chr1:94,011,337, G>A on the plus strand (C>T on the coding strand, the complement: ABCA4 is on the minus strand). VCF-style: chr1-94011337-G-A. GRCh37 (hg19) VCF-style: chr1-94476893-G-A.
Other names: c.5287C>T, p.Pro1763Ser (NM_001425324.1); short protein forms P1837S, P1763S.
Identifiers: ClinVar variation 2418843 (VCV002418843.6), dbSNP rs1321639616, ClinGen allele CA341281113.

ClinVar aggregate classification (germline): Pathogenic (1 of 4 stars; one submission).

Submission:

Labcorp Genetics (formerly Invitae), Labcorp
Classification: Pathogenic. Last evaluated: 2022-05-03. Review status: criteria provided, single submitter. Criteria: Invitae Variant Classification Sherloc (09022015). Collection method: clinical testing. Allele origin: germline.
Comment: For these reasons, this variant has been classified as Pathogenic. Advanced modeling of protein sequence and biophysical properties (such as structural, functional, and spatial information, amino acid conservation, physicochemical variation, residue mobility, and thermodynamic stability) performed at Invitae indicates that this missense variant is expected to disrupt ABCA4 protein function. This missense change has been observed in individual(s) with Stargardt disease (PMID: 31212395, 33988224). In at least one individual the data is consistent with being in trans (on the opposite chromosome) from a pathogenic variant. This variant is not present in population databases (gnomAD no frequency). This sequence change replaces proline, which is neutral and non-polar, with serine, which is neutral and polar, at codon 1837 of the ABCA4 protein (p.Pro1837Ser).

Literature cited by the submitters: PubMed 31212395; PubMed 33988224.